The following is an entry in ClinVar:

ClinVar aggregate classification (germline): Uncertain significance (1 of 4 stars; one submission).

Submission:

GeneDx
Classification: Uncertain significance. Last evaluated: 2023-06-13. Review status: criteria provided, single submitter. Criteria: GeneDx Variant Classification Process June 2021. Collection method: clinical testing. Allele origin: germline. Affected: yes.
Comment: Not observed at significant frequency in large population cohorts (gnomAD); In silico analysis supports that this variant does not alter protein structure/function; Has not been previously published as pathogenic or benign to our knowledge

NM_198407.2(GHSR):c.297_298delinsAT (p.Asp99_Leu100delinsGluPhe)

Gene: GHSR (growth hormone secretagogue receptor; minus strand). Cytogenetic location: 3q26.31.
Variant type: Indel.
Coding change: c.297_298delinsAT on transcript NM_198407.2 (MANE Select); coding-DNA positions 297 to 298, CC replaced by AT.
Protein change: p.Asp99_Leu100delinsGluPhe.
Molecular consequence: missense variant.
Genome position (GRCh38, 1-based): chr3:172,448,116-172,448,117, GG replaced by AT on the plus strand (CC replaced by AT on the coding strand, the reverse complement: GHSR is on the minus strand). VCF-style: chr3-172448116-GG-AT. GRCh37 (hg19) VCF-style: chr3-172165906-GG-AT.
Other names: c.297_298delinsAT, p.Asp99_Leu100delinsGluPhe (NM_004122.2).
Identifiers: ClinVar variation 3359958 (VCV003359958.1).